The following is an entry in ClinVar:

ClinVar aggregate classification (germline): Uncertain significance. Review status: criteria provided, multiple submitters, no conflicts (2 of 4 stars). 2 submissions from 2 submitters: Uncertain significance (2). Last evaluated 2023-09-01.

Conditions:
Dyskeratosis congenita, autosomal dominant 1 (DKCA1). Also called: Dyskeratosis congenita Scoggins type. Identifiers: Orphanet 1775, MedGen C4551974, MONDO:0007485, OMIM 127550. Inheritance: Variable.

Submissions (2):

Blueprint Genetics
Classification: Uncertain significance. Last evaluated: 2023-09-01. Review status: criteria provided, single submitter. Criteria: ACMG Guidelines, 2015. Collection method: clinical testing. Allele origin: germline.

Labcorp Genetics (formerly Invitae), Labcorp
Classification: Uncertain significance for Dyskeratosis congenita, autosomal dominant 1. Last evaluated: 2022-08-08. Review status: criteria provided, single submitter. Criteria: Invitae Variant Classification Sherloc (09022015). Collection method: clinical testing. Allele origin: germline.
Comment: This variant has not been reported in the literature in individuals affected with TERC-related conditions. In summary, the available evidence is currently insufficient to determine the role of this variant in disease. Therefore, it has been classified as a Variant of Uncertain Significance. This variant is located within the hypervariable region that is not conserved in the TERC RNA component (PMID: 10721988, 21844345). The functional significance of this region is not well understood. This variant occurs in the TERC gene, which encodes an RNA molecule that does not result in a protein product. This variant is not present in population databases (gnomAD no frequency).

Literature cited by the submitters: PubMed 10721988 (cited by Labcorp Genetics (formerly Invitae), Labcorp); PubMed 21844345 (cited by Labcorp Genetics (formerly Invitae), Labcorp).

NC_000003.12:g.169764862G>T

Genes: TERC (telomerase RNA component; minus strand), LOC110806306 (telomerase RNA component (TERC) promoter; plus strand). Cytogenetic location: 3q26.2.
Variant type: single nucleotide variant.
Genome position: GRCh38 VCF-style: chr3-169764862-G-T. GRCh37 (hg19) VCF-style: chr3-169482650-G-T.
Identifiers: ClinVar variation 2022752 (VCV002022752.5), dbSNP rs760168757, ClinGen allele CA436715439.
Genomic context (GRCh38, chr3:169,764,862, plus strand): 5'-CGCGGCCTCCAGGCGGGGTTCGGGGGCTGGGCAGGCGACCCGCCGCAGGTCCCCGGGAGG[G>T]GCGAACGGGCCAGCAGCTGACATTTTTTGTTTGCTCTAGAATGAACGGTGGAAGGCGGCA-3'